The following is an entry in ClinVar:

ClinVar aggregate classification (germline): Uncertain significance (1 of 4 stars; one submission).

Conditions:
Familial meningioma. Also called: Meningioma, familial, susceptibility to. Identifiers: Orphanet 263662, MedGen C3551915, MONDO:0011789, OMIM 607174.

Submission:

Labcorp Genetics (formerly Invitae), Labcorp
Classification: Uncertain significance for Familial meningioma. Last evaluated: 2021-08-24. Review status: criteria provided, single submitter. Criteria: Invitae Variant Classification Sherloc (09022015). Collection method: clinical testing. Allele origin: germline.
Comment: This sequence change replaces asparagine with serine at codon 127 of the SMARCE1 protein (p.Asn127Ser). The asparagine residue is highly conserved and there is a small physicochemical difference between asparagine and serine. In summary, the available evidence is currently insufficient to determine the role of this variant in disease. Therefore, it has been classified as a Variant of Uncertain Significance. Algorithms developed to predict the effect of missense changes on protein structure and function are either unavailable or do not agree on the potential impact of this missense change (SIFT: "Tolerated"; PolyPhen-2: "Possibly Damaging"; Align-GVGD: "Class C0"). This variant has not been reported in the literature in individuals affected with SMARCE1-related conditions. This variant is not present in population databases (ExAC no frequency).

NM_003079.5(SMARCE1):c.380A>G (p.Asn127Ser)

Gene: SMARCE1 (SWI/SNF related BAF chromatin remodeling complex subunit E1; minus strand). Cytogenetic location: 17q21.2.
Variant type: single nucleotide variant.
Coding change: c.380A>G on transcript NM_003079.5 (MANE Select); coding-DNA position 380, A replaced by G.
Protein change: p.Asn127Ser; replaces asparagine 127 with serine.
Molecular consequence: missense variant.
Genome position (GRCh38, 1-based): chr17:40,636,092, T>C on the plus strand (A>G on the coding strand, the complement: SMARCE1 is on the minus strand). VCF-style: chr17-40636092-T-C. GRCh37 (hg19) VCF-style: chr17-38792344-T-C.
Other names: short protein forms N127S.
Identifiers: ClinVar variation 1359580 (VCV001359580.6), dbSNP rs2143996566, ClinGen allele CA399366769.